The following is an entry in ClinVar:

ClinVar aggregate classification (germline): Uncertain significance (1 of 4 stars; one submission).

Submission:

GeneDx
Classification: Uncertain significance. Last evaluated: 2022-03-04. Review status: criteria provided, single submitter. Criteria: GeneDx Variant Classification Process June 2021. Collection method: clinical testing. Allele origin: germline. Affected: yes.
Comment: Not observed at significant frequency in large population cohorts (gnomAD); In silico analysis supports that this missense variant has a deleterious effect on protein structure/function; Has not been previously published as pathogenic or benign to our knowledge

NM_003412.4(ZIC1):c.590A>G (p.Tyr197Cys)

Gene: ZIC1 (Zic family member 1; plus strand). Cytogenetic location: 3q24.
Variant type: single nucleotide variant.
Coding change: c.590A>G on transcript NM_003412.4 (MANE Select); coding-DNA position 590, A replaced by G.
Protein change: p.Tyr197Cys; replaces tyrosine 197 with cysteine.
Molecular consequence: missense variant.
Genome position (GRCh38, 1-based): chr3:147,410,702, A>G. VCF-style: chr3-147410702-A-G. GRCh37 (hg19) VCF-style: chr3-147128489-A-G.
Other names: short protein forms Y197C.
Identifiers: ClinVar variation 1704006 (VCV001704006.2), dbSNP rs2473123393, ClinGen allele CA354897022.
Genomic context (GRCh38, chr3:147,410,702, plus strand): 5'-AGTACGGCCAGGTGACCAGCCCGCGTTCGGAGCACTATGCTGCGCCGCAGCTGCACGGCT[A>G]CGGGCCCATGAACGTGAACATGGCCGCGCATCACGGCGCCGGCGCCTTCTTCCGCTACAT-3'
Protein context (NP_003403.2, residues 187-207): EHYAAPQLHG[Tyr197Cys]GPMNVNMAAH